The following is an entry in ClinVar:

NM_003002.4(SDHD):c.314+20del

Gene: SDHD (succinate dehydrogenase complex subunit D; plus strand). Cytogenetic location: 11q23.1.
Variant type: Deletion.
Coding change: c.314+20del on transcript NM_003002.4 (MANE Select); 20 bases into the intron after coding-DNA position 314, one base deleted (A; older notation c.314+20delA).
Molecular consequence: intron variant.
Genome position (GRCh38, 1-based): chr11:112,089,031, A deleted; the last of 3 consecutive A bases (chr11:112,089,029-112,089,031); deleting any one gives the same sequence. VCF-style (leftmost placement, unchanged base first): chr11-112089028-CA-C. GRCh37 (hg19) VCF-style: chr11-111959752-CA-C.
Other names: c.314+20del (NM_001276506.2); c.169+1058del (NM_001276503.2); c.197+20del (NM_001276504.2); c.314+20delA (NM_003002.4, NM_003002.3, NM_003002.2).
Identifiers: ClinVar variation 258892 (VCV000258892.13), dbSNP rs755475561, ClinGen allele CA071077.

ClinVar aggregate classification (germline): Benign/Likely benign. Review status: criteria provided, multiple submitters, no conflicts (2 of 4 stars). 6 submissions from 6 submitters: Benign (1); Likely benign (5). Last evaluated 2026-03-04.

Conditions:
Hereditary cancer-predisposing syndrome. Also called: Hereditary Cancer Syndrome; Tumor predisposition; Hereditary neoplastic syndrome; Neoplastic Syndromes, Hereditary. Identifiers: Orphanet 140162, MedGen C0027672, MeSH D009386, MONDO:0015356.
Carney-Stratakis syndrome. Also called: PARAGANGLIOMA AND GASTROINTESTINAL STROMAL TUMOR. Identifiers: Orphanet 97286, MedGen C1847319, MONDO:0011740, OMIM 606864.
Pheochromocytoma. Also called: MAX-Related Hereditary Paraganglioma-Pheochromocytoma Syndrome. Identifiers: Orphanet 29072, MedGen C0031511, MONDO:0008233, OMIM 171300, HP:0002666.
Paragangliomas with sensorineural hearing loss. Identifiers: MedGen C1868633.
Cowden syndrome 3 (CWS3). Identifiers: Orphanet 201, MedGen CN166604, MONDO:0014045.

Submissions (6):

Ambry Genetics
Classification: Benign for Hereditary cancer-predisposing syndrome. Last evaluated: 2026-03-04. Review status: criteria provided, single submitter. Criteria: Ambry Variant Classification Scheme 2023. Collection method: clinical testing. Allele origin: germline.

Labcorp Genetics (formerly Invitae), Labcorp
Classification: Likely benign for Carney-Stratakis syndrome; Paragangliomas with sensorineural hearing loss; Pheochromocytoma; Cowden syndrome 3. Last evaluated: 2026-01-25. Review status: criteria provided, single submitter. Criteria: Invitae Variant Classification Sherloc (09022015). Collection method: clinical testing. Allele origin: germline.

Center for Genomic Medicine, Rigshospitalet, Copenhagen University Hospital
Classification: Likely benign. Last evaluated: 2025-12-29. Review status: criteria provided, single submitter. Criteria: ACMG Guidelines, 2015. Collection method: clinical testing. Allele origin: germline.

Blueprint Genetics
Classification: Likely benign. Last evaluated: 2024-09-19. Review status: criteria provided, single submitter. Criteria: ACMG Guidelines, 2015. Collection method: clinical testing. Allele origin: germline.

GeneDx
Classification: Likely benign. Last evaluated: 2017-02-06. Review status: criteria provided, single submitter. Criteria: GeneDx Variant Classification (06012015). Collection method: clinical testing. Allele origin: germline. Affected: yes.
Comment: This variant is considered likely benign or benign based on one or more of the following criteria: it is a conservative change, it occurs at a poorly conserved position in the protein, it is predicted to be benign by multiple in silico algorithms, and/or has population frequency not consistent with disease.

PreventionGenetics, part of Exact Sciences
Classification: Likely benign. Review status: criteria provided, single submitter. Criteria: ACMG Guidelines, 2015. Collection method: clinical testing. Allele origin: germline.